The following continues an entry in ClinVar:

NM_007294.4(BRCA1):c.3904G>T (p.Glu1302Ter)

ClinVar aggregate classification (germline): Pathogenic. Pathogenic (1).

Submissions 11 to 15 of 15:

Laboratory for Molecular Medicine, Mass General Brigham Personalized Medicine
Classification: Pathogenic for Hereditary breast ovarian cancer syndrome. Last evaluated: 2018-08-09. Review status: criteria provided, single submitter. Criteria: ACMG Guidelines, 2015. Collection method: clinical testing. Allele origin: germline. Inheritance: Autosomal dominant inheritance. Not counted in ClinVar's aggregate classification.
Comment: The p.Glu1302X variant in BRCA1 has been reported in at least 3 individuals with breast cancer, and segregated with disease in one affected relative (Casadei 2001, Nielsen 2016, Ramus 2017). In addition, this variant was classified as Pathogenic on September 8, 2016 by the ClinGen-approved ENIGMA expert panel (ClinVar SCV000300040.2) and was absent from large population studies. This nonsense variant leads to a premature termination codon at position 1302 which is predicted to lead to a truncated or absent protein. Heterozygous loss of function of the BRCA1 gene is an established disease mechanism in hereditary breast and ovariant cancer. In summary, this variant meets criteria to be classified as pathogenic for hereditary breast and ovarian cancer in an autosomal dominant manner based case reports, absence from controls and predicted impact on protein. ACMG/AMP Criteria applied: PM2,PVS1, PS4_Supporting.

Consortium of Investigators of Modifiers of BRCA1/2 (CIMBA), c/o University of Cambridge
Classification: Pathogenic for Breast-ovarian cancer, familial, susceptibility to, 1. Last evaluated: 2015-10-02. Review status: criteria provided, single submitter. Criteria: CIMBA Mutation Classification guidelines May 2016. Collection method: clinical testing. Allele origin: germline. Not counted in ClinVar's aggregate classification.

Research Molecular Genetics Laboratory, Women's College Hospital, University of Toronto
Classification: Pathogenic for Hereditary breast ovarian cancer syndrome. Last evaluated: 2014-01-31. Review status: no assertion criteria provided. Collection method: research. Allele origin: germline. Affected: yes. Study: The Canadian Open Genetics Repository (COGR). Not counted in ClinVar's aggregate classification.

Sharing Clinical Reports Project (SCRP)
Classification: Pathogenic for Breast-ovarian cancer, familial 1. Last evaluated: 2012-05-01. Review status: no assertion criteria provided. Collection method: clinical testing. Allele origin: germline. Not counted in ClinVar's aggregate classification.

Breast Cancer Information Core (BIC) (BRCA1)
Classification: Pathogenic for Breast-ovarian cancer, familial 1. Last evaluated: 2002-05-29. Review status: no assertion criteria provided. Collection method: clinical testing. Allele origin: germline. Affected: yes. Observed: 3 variant alleles. Not counted in ClinVar's aggregate classification.

Literature cited by the submitters: PubMed 32380732 (cited by Center for Genomic Medicine, Rigshospitalet, Copenhagen University Hospital); PubMed 17688236 (cited by 5 submitters); PubMed 26833046 (cited by 3 submitters); PubMed 29446198 (cited by 3 submitters); PubMed 30128899 (cited by Ambry Genetics and Quest Diagnostics Nichols Institute San Juan Capistrano); PubMed 32854451 (cited by Ambry Genetics and Quest Diagnostics Nichols Institute San Juan Capistrano); PubMed 33403015 (cited by Ambry Genetics and Quest Diagnostics Nichols Institute San Juan Capistrano); PubMed 33471991 (cited by Ambry Genetics and Quest Diagnostics Nichols Institute San Juan Capistrano); PubMed 22762150 (cited by Quest Diagnostics Nichols Institute San Juan Capistrano and Women's Health and Genetics/Laboratory Corporation of America, LabCorp); PubMed 16267036 (cited by Quest Diagnostics Nichols Institute San Juan Capistrano and Women's Health and Genetics/Laboratory Corporation of America, LabCorp); PubMed 15781624 (cited by Quest Diagnostics Nichols Institute San Juan Capistrano and Women's Health and Genetics/Laboratory Corporation of America, LabCorp); PubMed 20104584 (cited by Labcorp Genetics (formerly Invitae), Labcorp); PubMed 11556835 (cited by Laboratory for Molecular Medicine, Mass General Brigham Personalized Medicine).